The following is an entry in ClinVar:

ClinVar aggregate classification (germline): Uncertain significance (1 of 4 stars; one submission).

Conditions:
Neurodevelopmental disorder with poor language and loss of hand skills. Identifiers: MedGen C4693546, MONDO:0060659, OMIM 617903.

Submission:

Victorian Clinical Genetics Services, Murdoch Childrens Research Institute
Classification: Uncertain significance for Neurodevelopmental disorder with poor language and loss of hand skills. Last evaluated: 2023-07-16. Review status: criteria provided, single submitter. Criteria: ACMG Guidelines, 2015. Collection method: clinical testing. Allele origin: germline. Inheritance: Autosomal dominant inheritance. Affected: yes.
Comment: Based on the classification scheme VCGS_Germline_v1.3.4, this variant is classified as VUS-3B. Following criteria are met: 0105 - The mechanism of disease for this gene is not clearly established. However, gain-of-function is the suggested mechanism. The basal activity levels in mutant proteins may explain the reduction in activation in the presence of ligand (PMID: 29369404, 28856709). (I) 0107 - This gene is associated with autosomal dominant disease. (I) 0200 - Variant is predicted to result in a missense amino acid change from tyrosine to aspartic acid. (I) 0251 - This variant is heterozygous. (I) 0301 - Variant is absent from gnomAD (both v2 and v3). (SP) 0501 - Missense variant consistently predicted to be damaging by multiple in silico tools or highly conserved with a major amino acid change. (SP) 0600 - Variant is located in the annotated transmembrane 5 domain (PMID: 35414446). (I) 0705 - No comparable missense variants have previous evidence for pathogenicity. (I) 0807 - This variant has no previous evidence of pathogenicity. (I) 0905 - No published segregation evidence has been identified for this variant. (I) 1007 - No published functional evidence has been identified for this variant. (I) Legend: (SP) - Supporting pathogenic, (I) - Information, (SB) - Supporting benign

Literature cited by the submitters: PubMed 28856709; PubMed 29369404; PubMed 35414446.

NM_005458.8(GABBR2):c.1987T>G (p.Tyr663Asp)

Gene: GABBR2 (gamma-aminobutyric acid type B receptor subunit 2; minus strand). Cytogenetic location: 9q22.33.
Variant type: single nucleotide variant.
Coding change: c.1987T>G on transcript NM_005458.8 (MANE Select); coding-DNA position 1987, T replaced by G.
Protein change: p.Tyr663Asp; replaces tyrosine 663 with aspartic acid.
Molecular consequence: missense variant.
Genome position (GRCh38, 1-based): chr9:98,311,112, A>C on the plus strand (T>G on the coding strand, the complement: GABBR2 is on the minus strand). VCF-style: chr9-98311112-A-C. GRCh37 (hg19) VCF-style: chr9-101073394-A-C.
Other names: short protein forms Y663D.
Identifiers: ClinVar variation 1805927 (VCV001805927.2), dbSNP rs2131361957, ClinGen allele CA374203212.
Genomic context (GRCh38, chr9:98,311,112, plus strand): 5'-AAGAAGTGTCCCCCCTCAACACTGTCTCCTGCTCTGCACCTACCATGAGAAGTCCCTTGT[A>C]GGCATAGACGATGCCAAGCCAGATGGTCATATGGGTGTTCTCACAGTGCTCCAGGAGAGG-3'
Protein context (NP_005449.5, residues 653-673): MTIWLGIVYA[Tyr663Asp]KGLLMLFGCF